The following is an entry in ClinVar:

NM_001034853.2(RPGR):c.673C>T (p.Pro225Ser)

Gene: RPGR (retinitis pigmentosa GTPase regulator; minus strand). Cytogenetic location: Xp11.4.
Variant type: single nucleotide variant.
Coding change: c.673C>T on transcript NM_001034853.2 (MANE Select); coding-DNA position 673, C replaced by T.
Protein change: p.Pro225Ser; replaces proline 225 with serine.
Molecular consequence: missense variant. On other transcripts: non-coding transcript variant (6).
Genome position (GRCh38, 1-based): chrX:38,310,720, G>A on the plus strand (C>T on the coding strand, the complement: RPGR is on the minus strand). VCF-style: chrX-38310720-G-A. GRCh37 (hg19) VCF-style: chrX-38169973-G-A.
Other names: c.673C>T, p.Pro225Ser (NM_000328.3, NM_001367246.1, NM_001367247.1 and 1 more transcripts); c.670C>T, p.Pro224Ser (NM_001367245.1, NM_001367249.1, NM_001367250.1); c.703C>T, p.Pro235Ser (NM_001367248.1); c.673C>T (NM_000328.2); short protein forms P224S, P225S, P235S.
Identifiers: ClinVar variation 1946701 (VCV001946701.6), dbSNP rs150477878, ClinGen allele CA327935440.

ClinVar aggregate classification (germline): Uncertain significance. Review status: criteria provided, multiple submitters, no conflicts (2 of 4 stars). 2 submissions from 2 submitters: Uncertain significance (2). Last evaluated 2025-09-08.

Conditions:
Primary ciliary dyskinesia. Also called: Ciliary dyskinesia. Identifiers: Orphanet 244, MedGen C0008780, MONDO:0016575, HP:0012265.

Allele frequency attached by ClinVar (database versions not stated): gnomAD 0.00001; TOPMed 0.00002; ESP Exome Variant Server 0.00009.
gnomAD v4.1: 6 of 1,208,367 alleles (0.0005%); highest among the groups gnomAD compares: Non-Finnish European, 0.00067%; no homozygotes.

Submissions (2):

Labcorp Genetics (formerly Invitae), Labcorp
Classification: Uncertain significance for Primary ciliary dyskinesia. Last evaluated: 2025-09-08. Review status: criteria provided, single submitter. Criteria: Invitae Variant Classification Sherloc (09022015). Collection method: clinical testing. Allele origin: germline.
Comment: This sequence change replaces proline, which is neutral and non-polar, with serine, which is neutral and polar, at codon 225 of the RPGR protein (p.Pro225Ser). The frequency data for this variant in the population databases is considered unreliable, as metrics indicate poor data quality at this position in the gnomAD database. This variant has not been reported in the literature in individuals affected with RPGR-related conditions. ClinVar contains an entry for this variant (Variation ID: 1946701). Invitae Evidence Modeling of protein sequence and biophysical properties (such as structural, functional, and spatial information, amino acid conservation, physicochemical variation, residue mobility, and thermodynamic stability) indicates that this missense variant is not expected to disrupt RPGR protein function with a negative predictive value of 95%. In summary, the available evidence is currently insufficient to determine the role of this variant in disease. Therefore, it has been classified as a Variant of Uncertain Significance.

Ambry Genetics
Classification: Uncertain significance for Primary ciliary dyskinesia. Last evaluated: 2023-11-29. Review status: criteria provided, single submitter. Criteria: Ambry Variant Classification Scheme 2023. Collection method: clinical testing. Allele origin: germline.